The following is an entry in ClinVar:

ClinVar aggregate classification (germline): Conflicting classifications of pathogenicity. Review status: criteria provided, conflicting classifications (1 of 4 stars). 4 submissions from 4 submitters: Uncertain significance (2); Benign (1); Likely benign (1). Last evaluated 2025-08-25.

Conditions:
Collagen 6-related myopathy. Identifiers: MedGen CN117976, MONDO:0100225.
Bethlem myopathy 1A. Also called: Bethlem myopathy 1; MYOPATHY, BENIGN CONGENITAL, WITH CONTRACTURES; Bethlem Muscular Dystrophy. Identifiers: Orphanet 610, MedGen CN029274, MONDO:0024530, OMIM 158810.
Inborn genetic diseases. Identifiers: MedGen C0950123, MeSH D030342.

Allele frequency attached by ClinVar (database versions not stated): TOPMed 0.00002; gnomAD 0.00003 and 0.00004; gnomAD exomes 0.00006 and 0.00012; ExAC 0.00011.

Submissions (4):

Ambry Genetics
Classification: Uncertain significance for Inborn genetic diseases. Last evaluated: 2025-08-25. Review status: criteria provided, single submitter. Criteria: Ambry Variant Classification Scheme 2023. Collection method: clinical testing. Allele origin: germline.

CeGaT Center for Human Genetics Tuebingen
Classification: Uncertain significance. Last evaluated: 2025-01-01. Review status: criteria provided, single submitter. Criteria: CeGaT Center For Human Genetics Tuebingen Variant Classification Criteria Version 2. Collection method: clinical testing. Allele origin: germline. Affected: yes. Observed: 1 variant allele.
Comment: COL6A1: PM2, PP3

Labcorp Genetics (formerly Invitae), Labcorp
Classification: Benign for Bethlem myopathy 1A. Last evaluated: 2024-05-20. Review status: criteria provided, single submitter. Criteria: Invitae Variant Classification Sherloc (09022015). Collection method: clinical testing. Allele origin: germline.

Illumina Laboratory Services, Illumina
Classification: Likely benign for Collagen VI-related myopathy. Last evaluated: 2018-01-12. Review status: criteria provided, single submitter. Criteria: ICSL Variant Classification Criteria 13 December 2019. Collection method: clinical testing. Allele origin: germline.
Comment: This variant was observed in the ICSL laboratory as part of a predisposition screen in an ostensibly healthy population. It had not been previously curated by ICSL or reported in the Human Gene Mutation Database (HGMD: prior to June 1st, 2018), and was therefore a candidate for classification through an automated scoring system. Utilizing variant allele frequency, disease prevalence and penetrance estimates, and inheritance mode, an automated score was calculated to assess if this variant is too frequent to cause the disease. Based on the score and internal cut-off values, a variant classified as likely benign is not then subjected to further curation. The score for this variant resulted in a classification of likely benign for this disease.

NM_001848.3(COL6A1):c.2951G>A (p.Arg984His)

Gene: COL6A1 (collagen type VI alpha 1 chain; plus strand). Cytogenetic location: 21q22.3.
Variant type: single nucleotide variant.
Coding change: c.2951G>A on transcript NM_001848.3 (MANE Select); coding-DNA position 2951, G replaced by A.
Protein change: p.Arg984His; replaces arginine 984 with histidine.
Molecular consequence: missense variant.
Genome position (GRCh38, 1-based): chr21:46,003,877, G>A. VCF-style: chr21-46003877-G-A. GRCh37 (hg19) VCF-style: chr21-47423791-G-A.
Other names: short protein forms R984H.
Identifiers: ClinVar variation 835863 (VCV000835863.26), dbSNP rs746877994, ClinGen allele CA10071084.